The following is an entry in ClinVar:

ClinVar aggregate classification (germline): Benign. Review status: criteria provided, multiple submitters, no conflicts (2 of 4 stars). 9 submissions from 7 submitters: Benign (9). Last evaluated 2026-02-03.

Conditions:
Spinocerebellar ataxia type 34 (SCA34). Identifiers: Orphanet 1955, MedGen C1851481, MONDO:0007574, OMIM 133190.
Ichthyosis, spastic quadriplegia, and impaired intellectual development. Also called: Congenital ichthyosis-intellectual disability-spastic quadriplegia syndrome. Identifiers: Orphanet 352333, MedGen C3280856, MONDO:0013760, OMIM 614457.
Stargardt disease 3. Also called: STARGARDT-LIKE MACULAR DYSTROPHY, AUTOSOMAL DOMINANT; MACULAR DYSTROPHY WITH FLECKS, TYPE 3. Identifiers: Orphanet 827, MedGen C1838644, MONDO:0010819, OMIM 600110.

Allele frequency attached by ClinVar (database versions not stated): gnomAD 0.15428 and 0.16063; 1000 Genomes Project 0.24161; ESP Exome Variant Server 0.14970; gnomAD exomes 0.16656 and 0.13442; ExAC 0.17131; TOPMed 0.16255; 1000 Genomes Project 30x 0.23969.

Submissions (9):

Labcorp Genetics (formerly Invitae), Labcorp
Classification: Benign. Last evaluated: 2026-02-03. Review status: criteria provided, single submitter. Criteria: Invitae Variant Classification Sherloc (09022015). Collection method: clinical testing. Allele origin: germline.

Mayo Clinic Laboratories, Mayo Clinic
Classification: Benign. Last evaluated: 2023-01-17. Review status: criteria provided, single submitter. Criteria: ACMG Guidelines, 2015. Collection method: clinical testing. Allele origin: germline. Observed: 116 variant alleles.
Comment: BA1, BP4

Genome-Nilou Lab
Classification: Benign for Ichthyosis, spastic quadriplegia, and impaired intellectual development. Last evaluated: 2021-07-30. Review status: criteria provided, single submitter. Criteria: ACMG Guidelines, 2015. Collection method: clinical testing. Allele origin: germline. Affected: no.

Genome-Nilou Lab
Classification: Benign for Spinocerebellar ataxia type 34. Last evaluated: 2021-07-30. Review status: criteria provided, single submitter. Criteria: ACMG Guidelines, 2015. Collection method: clinical testing. Allele origin: germline. Affected: no.

Genome-Nilou Lab
Classification: Benign for Stargardt disease 3. Last evaluated: 2021-07-30. Review status: criteria provided, single submitter. Criteria: ACMG Guidelines, 2015. Collection method: clinical testing. Allele origin: germline. Affected: no.

Illumina Laboratory Services, Illumina
Classification: Benign for Stargardt disease 3. Last evaluated: 2018-03-06. Review status: criteria provided, single submitter. Criteria: ICSL Variant Classification Criteria 13 December 2019. Collection method: clinical testing. Allele origin: germline.
Comment: This variant was observed in the ICSL laboratory as part of a predisposition screen in an ostensibly healthy population. It had not been previously curated by ICSL or reported in the Human Gene Mutation Database (HGMD: prior to June 1st, 2018), and was therefore a candidate for classification through an automated scoring system. Utilizing variant allele frequency, disease prevalence and penetrance estimates, and inheritance mode, an automated score was calculated to assess if this variant is too frequent to cause the disease. Based on the score and internal cut-off values, a variant classified as benign is not then subjected to further curation. The score for this variant resulted in a classification of benign for this disease.

Eurofins Ntd Llc (ga)
Classification: Benign. Last evaluated: 2013-12-17. Review status: criteria provided, single submitter. Criteria: EGL Classification Definitions 2015. Collection method: clinical testing. Allele origin: germline. Observed: 2 variant alleles, 2 heterozygotes.

GeneDx
Classification: Benign. Last evaluated: 2011-06-28. Review status: criteria provided, single submitter. Criteria: GeneDx Variant Classification (06012015). Collection method: clinical testing. Allele origin: germline. Affected: yes.
Comment: This variant is considered likely benign or benign based on one or more of the following criteria: it is a conservative change, it occurs at a poorly conserved position in the protein, it is predicted to be benign by multiple in silico algorithms, and/or has population frequency not consistent with disease.

PreventionGenetics, part of Exact Sciences
Classification: Benign. Review status: criteria provided, single submitter. Criteria: ACMG Guidelines, 2015. Collection method: clinical testing. Allele origin: germline.

Literature cited by the submitters: PubMed 15930014 (cited by Mayo Clinic Laboratories, Mayo Clinic).

NM_022726.4(ELOVL4):c.895A>G (p.Met299Val)

Gene: ELOVL4 (ELOVL fatty acid elongase 4; minus strand). Cytogenetic location: 6q14.1.
Variant type: single nucleotide variant.
Coding change: c.895A>G on transcript NM_022726.4 (MANE Select); coding-DNA position 895, A replaced by G.
Protein change: p.Met299Val; replaces methionine 299 with valine.
Molecular consequence: missense variant.
Genome position (GRCh38, 1-based): chr6:79,916,658, T>C on the plus strand (A>G on the coding strand, the complement: ELOVL4 is on the minus strand). VCF-style: chr6-79916658-T-C. GRCh37 (hg19) VCF-style: chr6-80626375-T-C.
Other names: p.M299V:ATG>GTG; short protein forms M299V.
Identifiers: ClinVar variation 137206 (VCV000137206.21), dbSNP rs3812153, ClinGen allele CA179999.